The following is an entry in ClinVar:

ClinVar aggregate classification (germline): Benign/Likely benign. Review status: criteria provided, multiple submitters, no conflicts (2 of 4 stars). 9 submissions from 9 submitters: Benign (3); Likely benign (5). 1 of the submissions does not count toward it. Last evaluated 2026-08-01.

Conditions:
WNK1-related disorder. Also called: WNK1-related condition.
Pseudohypoaldosteronism type 2C (PHA2C). Also called: Pseudohypoaldosteronism Type IIC. Identifiers: Orphanet 757, Orphanet 88940, MedGen C1840391, MONDO:0013778, OMIM 614492.
Neuropathy, hereditary sensory and autonomic, type 2A (HSAN2A). Also called: WNK1-Related HSAN2 (HSAN2A); ACROOSTEOLYSIS, GIACCAI TYPE; ACROOSTEOLYSIS, NEUROGENIC; NEUROPATHY, CONGENITAL SENSORY; NEUROPATHY, HEREDITARY SENSORY RADICULAR, AUTOSOMAL RECESSIVE; NEUROPATHY, HEREDITARY SENSORY, TYPE IIA. Identifiers: Orphanet 970, MedGen C2752089, MONDO:0024309, OMIM 201300.

Allele frequency attached by ClinVar (database versions not stated): ExAC 0.00134; ESP Exome Variant Server 0.00169; gnomAD exomes 0.00179 and 0.00212; gnomAD 0.00211 and 0.00214; TOPMed 0.00241; 1000 Genomes Project 0.00260; 1000 Genomes Project 30x 0.00265.
gnomAD v4.1: 3,423 of 1,613,440 alleles (0.21%); highest among the groups gnomAD compares: Admixed American, 0.53%; 11 homozygotes.

Submissions (9):

CeGaT Center for Human Genetics Tuebingen
Classification: Likely benign. Last evaluated: 2026-08-01. Review status: criteria provided, single submitter. Criteria: CeGaT Center For Human Genetics Tuebingen Variant Classification Criteria Version 2. Collection method: clinical testing. Allele origin: germline. Affected: yes. Observed: 9 variant alleles.
Comment: WNK1: BP4, BP7

Mayo Clinic Laboratories, Mayo Clinic
Classification: Likely benign. Last evaluated: 2025-12-07. Review status: criteria provided, single submitter. Criteria: ACMG Guidelines, 2015. Collection method: clinical testing. Allele origin: germline. Observed: 4 variant alleles.
Comment: BS1, BP4, BP7

Labcorp Genetics (formerly Invitae), Labcorp
Classification: Benign for Neuropathy, hereditary sensory and autonomic, type 2A; Pseudohypoaldosteronism type 2C. Last evaluated: 2025-09-02. Review status: criteria provided, single submitter. Criteria: Invitae Variant Classification Sherloc (09022015). Collection method: clinical testing. Allele origin: germline.

Blueprint Genetics
Classification: Likely benign. Last evaluated: 2024-11-27. Review status: criteria provided, single submitter. Criteria: ACMG Guidelines, 2015. Collection method: clinical testing. Allele origin: germline.

ARUP Laboratories, Molecular Genetics and Genomics, ARUP Laboratories
Classification: Likely benign. Last evaluated: 2024-04-23. Review status: criteria provided, single submitter. Criteria: ARUP Molecular Germline Variant Investigation Process 2024. Collection method: clinical testing. Allele origin: germline.

Illumina Laboratory Services, Illumina
Classification: Benign for Pseudohypoaldosteronism type 2C. Last evaluated: 2018-01-12. Review status: criteria provided, single submitter. Criteria: ICSL Variant Classification Criteria 13 December 2019. Collection method: clinical testing. Allele origin: germline.
Comment: This variant was observed in the ICSL laboratory as part of a predisposition screen in an ostensibly healthy population. It had not been previously curated by ICSL or reported in the Human Gene Mutation Database (HGMD: prior to June 1st, 2018), and was therefore a candidate for classification through an automated scoring system. Utilizing variant allele frequency, disease prevalence and penetrance estimates, and inheritance mode, an automated score was calculated to assess if this variant is too frequent to cause the disease. Based on the score and internal cut-off values, a variant classified as benign is not then subjected to further curation. The score for this variant resulted in a classification of benign for this disease.

Eurofins Ntd Llc (ga)
Classification: Benign. Last evaluated: 2015-10-21. Review status: criteria provided, single submitter. Criteria: EGL Classification Definitions 2015. Collection method: clinical testing. Allele origin: germline. Observed: 1 variant allele, 1 heterozygote.

Breakthrough Genomics
Classification: Likely benign. Review status: criteria provided, single submitter. Criteria: ACMG Guidelines, 2015. Collection method: not provided. Allele origin: germline. Inheritance: Autosomal recessive inheritance. Affected: yes.

PreventionGenetics, part of Exact Sciences
Classification: Likely benign for WNK1-related condition. Last evaluated: 2023-05-08. Review status: no assertion criteria provided. Collection method: clinical testing. Allele origin: germline. Not counted in ClinVar's aggregate classification.
Comment: This variant is classified as likely benign based on ACMG/AMP sequence variant interpretation guidelines (Richards et al. 2015 PMID: 25741868, with internal and published modifications).

NM_018979.4(WNK1):c.2490G>A (p.Pro830=)

Gene: WNK1 (WNK lysine deficient protein kinase 1; plus strand). Cytogenetic location: 12p13.33.
Variant type: single nucleotide variant.
Coding change: c.2490G>A on transcript NM_018979.4 (MANE Select); coding-DNA position 2490, G replaced by A.
Protein change: p.Pro830=; no amino-acid change (proline 830 retained).
Molecular consequence: synonymous variant. On other transcripts: intron variant (3).
Genome position (GRCh38, 1-based): chr12:879,689, G>A. VCF-style: chr12-879689-G-A. GRCh37 (hg19) VCF-style: chr12-988855-G-A.
Other names: p.Pro830=; c.3867+1328G>A (NM_213655.5); c.3613-1032G>A (NM_001184985.2); c.2370+1328G>A (NM_014823.3).
Identifiers: ClinVar variation 284012 (VCV000284012.101), dbSNP rs79816263, ClinGen allele CA6382493.
Genomic context (GRCh38, chr12:879,689, plus strand): 5'-GACACAACCCTCGGTTGTTCCAGTCCACTCTGGTGCTCATTTCCTTCCAGTGGGACAGCC[G>A]CTCCCTACTCCCTTGCTCCCTCAGTACCCTGTCTCTCAGATTCCCATATCAACTCCTCAT-3'
Protein context (NP_061852.3, residues 820-840): SGAHFLPVGQ[Pro830=]LPTPLLPQYP